The following is an entry in ClinVar:

ClinVar aggregate classification (germline): Uncertain significance (1 of 4 stars; one submission).

Allele frequency attached by ClinVar (database versions not stated): gnomAD exomes 0.00001; ExAC 0.00003.
gnomAD v4.1: 17 of 1,607,784 alleles (0.0011%); highest among the groups gnomAD compares: Admixed American, 0.005%; no homozygotes.

Submission:

Labcorp Genetics (formerly Invitae), Labcorp
Classification: Uncertain significance. Last evaluated: 2024-10-04. Review status: criteria provided, single submitter. Criteria: Invitae Variant Classification Sherloc (09022015). Collection method: clinical testing. Allele origin: germline.
Comment: This sequence change replaces alanine, which is neutral and non-polar, with valine, which is neutral and non-polar, at codon 836 of the MYO18B protein (p.Ala836Val). This variant is present in population databases (rs772478099, gnomAD 0.006%). This variant has not been reported in the literature in individuals affected with MYO18B-related conditions. ClinVar contains an entry for this variant (Variation ID: 1988698). An algorithm developed to predict the effect of missense changes on protein structure and function (PolyPhen-2) suggests that this variant is likely to be tolerated. In summary, the available evidence is currently insufficient to determine the role of this variant in disease. Therefore, it has been classified as a Variant of Uncertain Significance.

NM_032608.7(MYO18B):c.2507C>T (p.Ala836Val)

Gene: MYO18B (myosin XVIIIB; plus strand). Cytogenetic location: 22q12.1.
Variant type: single nucleotide variant.
Coding change: c.2507C>T on transcript NM_032608.7 (MANE Select); coding-DNA position 2507, C replaced by T.
Protein change: p.Ala836Val; replaces alanine 836 with valine.
Molecular consequence: missense variant.
Genome position (GRCh38, 1-based): chr22:25,798,083, C>T. VCF-style: chr22-25798083-C-T. GRCh37 (hg19) VCF-style: chr22-26194050-C-T.
Other names: c.2507C>T, p.Ala836Val (NM_001318245.2); short protein forms A836V.
Identifiers: ClinVar variation 1988698 (VCV001988698.4), dbSNP rs772478099, ClinGen allele CA10160192.